The following is an entry in ClinVar:

NM_001692.4(ATP6V1B1):c.1057G>A (p.Asp353Asn)

Gene: ATP6V1B1 (ATPase H+ transporting V1 subunit B1; plus strand). Cytogenetic location: 2p13.3.
Variant type: single nucleotide variant.
Coding change: c.1057G>A on transcript NM_001692.4 (MANE Select); coding-DNA position 1057, G replaced by A.
Protein change: p.Asp353Asn; replaces aspartic acid 353 with asparagine.
Molecular consequence: missense variant.
Genome position (GRCh38, 1-based): chr2:70,963,309, G>A. VCF-style: chr2-70963309-G-A. GRCh37 (hg19) VCF-style: chr2-71190439-G-A.
Other names: short protein forms D353N.
Identifiers: ClinVar variation 1684044 (VCV001684044.6), dbSNP rs782561050, ClinGen allele CA1701233.

ClinVar aggregate classification (germline): Uncertain significance. Review status: criteria provided, multiple submitters, no conflicts (2 of 4 stars). 2 submissions from 2 submitters: Uncertain significance (2). Last evaluated 2024-04-24.

Allele frequency attached by ClinVar (database versions not stated): ExAC 0.00001; gnomAD exomes 0.00001 and 0.00003; gnomAD 0.00002; TOPMed 0.00003.
gnomAD v4.1: 41 of 1,612,740 alleles (0.0025%); highest among the groups gnomAD compares: Non-Finnish European, 0.0035%; no homozygotes.

Submissions (2):

GeneDx
Classification: Uncertain significance. Last evaluated: 2024-04-24. Review status: criteria provided, single submitter. Criteria: GeneDx Variant Classification Process June 2021. Collection method: clinical testing. Allele origin: germline. Affected: yes.
Comment: Not observed at significant frequency in large population cohorts (gnomAD); In silico analysis supports that this missense variant has a deleterious effect on protein structure/function; Has not been previously published as pathogenic or benign to our knowledge

Labcorp Genetics (formerly Invitae), Labcorp
Classification: Uncertain significance. Last evaluated: 2023-04-26. Review status: criteria provided, single submitter. Criteria: Invitae Variant Classification Sherloc (09022015). Collection method: clinical testing. Allele origin: germline.
Comment: In summary, the available evidence is currently insufficient to determine the role of this variant in disease. Therefore, it has been classified as a Variant of Uncertain Significance. Advanced modeling of protein sequence and biophysical properties (such as structural, functional, and spatial information, amino acid conservation, physicochemical variation, residue mobility, and thermodynamic stability) performed at Invitae indicates that this missense variant is not expected to disrupt ATP6V1B1 protein function. ClinVar contains an entry for this variant (Variation ID: 1684044). This variant has not been reported in the literature in individuals affected with ATP6V1B1-related conditions. This variant is present in population databases (rs782561050, gnomAD 0.002%). This sequence change replaces aspartic acid, which is acidic and polar, with asparagine, which is neutral and polar, at codon 353 of the ATP6V1B1 protein (p.Asp353Asn).